The following is an entry in ClinVar:

NM_007363.5(NONO):c.1070G>A (p.Arg357Gln)

Gene: NONO (non-POU domain containing octamer binding; plus strand). Cytogenetic location: Xq13.1.
Variant type: single nucleotide variant.
Coding change: c.1070G>A on transcript NM_007363.5 (MANE Select); coding-DNA position 1070, G replaced by A.
Protein change: p.Arg357Gln; replaces arginine 357 with glutamine.
Molecular consequence: missense variant.
Genome position (GRCh38, 1-based): chrX:71,297,877, G>A. VCF-style: chrX-71297877-G-A. GRCh37 (hg19) VCF-style: chrX-70517727-G-A.
Other names: c.1070G>A, p.Arg357Gln (NM_001145408.2, NM_001145409.2); c.803G>A, p.Arg268Gln (NM_001145410.2); short protein forms R268Q, R357Q.
Identifiers: ClinVar variation 2990266 (VCV002990266.3), dbSNP rs2031487515, ClinGen allele CA413547737.

ClinVar aggregate classification (germline): Uncertain significance (1 of 4 stars; one submission).

Allele frequency attached by ClinVar (database versions not stated): gnomAD exomes below 0.00001.
gnomAD v4.1: 4 of 1,210,126 alleles (0.00033%); highest among the groups gnomAD compares: Non-Finnish European, 0.00045%; no homozygotes.

Submission:

Labcorp Genetics (formerly Invitae), Labcorp
Classification: Uncertain significance. Last evaluated: 2025-01-13. Review status: criteria provided, single submitter. Criteria: Invitae Variant Classification Sherloc (09022015). Collection method: clinical testing. Allele origin: germline.
Comment: This sequence change replaces arginine, which is basic and polar, with glutamine, which is neutral and polar, at codon 357 of the NONO protein (p.Arg357Gln). This variant is not present in population databases (gnomAD no frequency). This variant has not been reported in the literature in individuals affected with NONO-related conditions. ClinVar contains an entry for this variant (Variation ID: 2990266). Invitae Evidence Modeling of protein sequence and biophysical properties (such as structural, functional, and spatial information, amino acid conservation, physicochemical variation, residue mobility, and thermodynamic stability) indicates that this missense variant is not expected to disrupt NONO protein function with a negative predictive value of 80%. In summary, the available evidence is currently insufficient to determine the role of this variant in disease. Therefore, it has been classified as a Variant of Uncertain Significance.